The following is an entry in ClinVar:

ClinVar aggregate classification (germline): Uncertain significance (1 of 4 stars; one submission).

Conditions:
Cardiovascular phenotype. Identifiers: MedGen CN230736.

Submission:

Ambry Genetics
Classification: Uncertain significance for Cardiovascular phenotype. Last evaluated: 2021-10-29. Review status: criteria provided, single submitter. Criteria: Ambry Variant Classification Scheme 2023. Collection method: clinical testing. Allele origin: germline.
Comment: The p.V151L variant (also known as c.451G>T), located in coding exon 4 of the VCL gene, results from a G to T substitution at nucleotide position 451. The valine at codon 151 is replaced by leucine, an amino acid with highly similar properties. This amino acid position is conserved. In addition, the in silico prediction for this alteration is inconclusive. Since supporting evidence is limited at this time, the clinical significance of this alteration remains unclear.

NM_014000.3(VCL):c.451G>T (p.Val151Leu)

Gene: VCL (vinculin; plus strand). Cytogenetic location: 10q22.2.
Variant type: single nucleotide variant.
Coding change: c.451G>T on transcript NM_014000.3 (MANE Select); coding-DNA position 451, G replaced by T.
Protein change: p.Val151Leu; replaces valine 151 with leucine.
Molecular consequence: missense variant.
Genome position (GRCh38, 1-based): chr10:74,071,035, G>T. VCF-style: chr10-74071035-G-T. GRCh37 (hg19) VCF-style: chr10-75830793-G-T.
Other names: c.451G>T, p.Val151Leu (NM_003373.4); short protein forms V151L.
Identifiers: ClinVar variation 1741206 (VCV001741206.2), dbSNP rs2549212310, ClinGen allele CA377266569.
Genomic context (GRCh38, chr10:74,071,035, plus strand): 5'-GTCCGTAAAATTATTAGAGTTTGCAAAGGAATTTTGGAATATCTTACAGTGGCAGAGGTG[G>T]TGGAGACTATGGAAGATTTGGTCACTTACACAAAGAATCTTGGGCCAGGTTAGTTTTATC-3'
Protein context (NP_054706.1, residues 141-161): ILEYLTVAEV[Val151Leu]ETMEDLVTYT